The following is an entry in ClinVar:

NM_002547.3(OPHN1):c.1926G>C (p.Arg642Ser)

Gene: OPHN1 (oligophrenin 1; minus strand). Cytogenetic location: Xq12.
Variant type: single nucleotide variant.
Coding change: c.1926G>C on transcript NM_002547.3 (MANE Select); coding-DNA position 1926, G replaced by C.
Protein change: p.Arg642Ser; replaces arginine 642 with serine.
Molecular consequence: missense variant.
Genome position (GRCh38, 1-based): chrX:68,064,086, C>G on the plus strand (G>C on the coding strand, the complement: OPHN1 is on the minus strand). VCF-style: chrX-68064086-C-G. GRCh37 (hg19) VCF-style: chrX-67283928-C-G.
Other names: short protein forms R642S.
Identifiers: ClinVar variation 3369567 (VCV003369567.2).

ClinVar aggregate classification (germline): Uncertain significance (1 of 4 stars; one submission).

Submission:

GeneDx
Classification: Uncertain significance. Last evaluated: 2025-03-20. Review status: criteria provided, single submitter. Criteria: GeneDx Variant Classification Process June 2021. Collection method: clinical testing. Allele origin: germline.
Comment: Not observed at significant frequency in large population cohorts (gnomAD); In silico analysis supports that this missense variant does not alter protein structure/function; Has not been previously published as pathogenic or benign to our knowledge